The following is an entry in ClinVar:

ClinVar aggregate classification (germline): Uncertain significance (1 of 4 stars; one submission).

Submission:

GeneDx
Classification: Uncertain significance. Last evaluated: 2024-01-04. Review status: criteria provided, single submitter. Criteria: GeneDx Variant Classification Process June 2021. Collection method: clinical testing. Allele origin: germline. Affected: yes.
Comment: Not observed at significant frequency in large population cohorts (gnomAD); In silico analysis supports that this missense variant has a deleterious effect on protein structure/function; Has not been previously published as pathogenic or benign to our knowledge

NM_001256012.3(MYH10):c.2186A>G (p.Gln729Arg)

Gene: MYH10 (myosin heavy chain 10; minus strand). Cytogenetic location: 17p13.1.
Variant type: single nucleotide variant.
Coding change: c.2186A>G on transcript NM_001256012.3 (MANE Select); coding-DNA position 2186, A replaced by G.
Protein change: p.Gln729Arg; replaces glutamine 729 with arginine.
Molecular consequence: missense variant.
Genome position (GRCh38, 1-based): chr17:8,520,965, T>C on the plus strand (A>G on the coding strand, the complement: MYH10 is on the minus strand). VCF-style: chr17-8520965-T-C. GRCh37 (hg19) VCF-style: chr17-8424283-T-C.
Other names: c.2120A>G, p.Gln707Arg (NM_001256095.2); c.2123A>G, p.Gln708Arg (NM_001375266.1); c.2093A>G, p.Gln698Arg (NM_005964.5); short protein forms Q698R, Q707R, Q708R, Q729R.
Identifiers: ClinVar variation 3367616 (VCV003367616.1).
Genomic context (GRCh38, chr17:8,520,965, plus strand): 5'-CGGTTAGGGAAGCCCTGGCGACAGATTCGGATCCCTTCCAGGACACCGTTACAGCGAAGC[T>C]GATCTAGGACTAGGTGTGGATCCAATTTTCCAGCCTAATCAAGCAAACAATAGTTTCATG-3'
Protein context (NP_001242941.1, residues 719-739): GKLDPHLVLD[Gln729Arg]LRCNGVLEGI